The following is an entry in ClinVar:

NM_001184.4(ATR):c.3451G>A (p.Ala1151Thr)

Gene: ATR (ATR checkpoint kinase; minus strand). Cytogenetic location: 3q23.
Variant type: single nucleotide variant.
Coding change: c.3451G>A on transcript NM_001184.4 (MANE Select); coding-DNA position 3451, G replaced by A.
Protein change: p.Ala1151Thr; replaces alanine 1151 with threonine.
Molecular consequence: missense variant.
Genome position (GRCh38, 1-based): chr3:142,541,034, C>T on the plus strand (G>A on the coding strand, the complement: ATR is on the minus strand). VCF-style: chr3-142541034-C-T. GRCh37 (hg19) VCF-style: chr3-142259876-C-T.
Other names: c.3259G>A, p.Ala1087Thr (NM_001354579.2); short protein forms A1087T, A1151T.
Identifiers: ClinVar variation 3221123 (VCV003221123.1), dbSNP rs2473328699, ClinGen allele CA354808033.
Genomic context (GRCh38, chr3:142,541,034, plus strand): 5'-TCACAGAACTGACATGTTTGGGTCCCATTAACTTCATCAAAGACATCAAACTGTTCAAGG[C>T]CTATAGAGTTAAGTAGTGCTTCAGAGTAAAGCTTATAAACATGCTGCCAGAAGCAGATGA-3'
Protein context (NP_001175.2, residues 1141-1161): SSVGIEDKKM[Ala1151Thr]LNSLMSLMKL

ClinVar aggregate classification (germline): Uncertain significance (1 of 4 stars; one submission).

Conditions:
Inborn genetic diseases. Identifiers: MedGen C0950123, MeSH D030342.

Allele frequency attached by ClinVar (database versions not stated): gnomAD exomes below 0.00001.
gnomAD v4.1: 1 of 1,613,474 alleles (0.000062%); highest among the groups gnomAD compares: African/African-American, 0.0013%; no homozygotes.

Submission:

Ambry Genetics
Classification: Uncertain significance for Inborn genetic diseases. Last evaluated: 2023-12-11. Review status: criteria provided, single submitter. Criteria: Ambry Variant Classification Scheme 2023. Collection method: clinical testing. Allele origin: germline.
Comment: The p.A1151T variant (also known as c.3451G>A) is located in coding exon 18 of the ATR gene. The alanine at codon 1151 is replaced by threonine, an amino acid with similar properties. This change occurs in the first base pair of coding exon 18. This amino acid position is conserved. In addition, this alteration is predicted to be tolerated by in silico analysis. Since supporting evidence is limited at this time, the clinical significance of this alteration remains unclear.